The following is an entry in ClinVar:

ClinVar aggregate classification (germline): Uncertain significance. Review status: criteria provided, multiple submitters, no conflicts (2 of 4 stars). 2 submissions from 2 submitters: Uncertain significance (2). Last evaluated 2026-05-14.

Allele frequency attached by ClinVar (database versions not stated): gnomAD exomes below 0.00001.

Submissions (2):

Women's Health and Genetics/Laboratory Corporation of America, LabCorp
Classification: Uncertain significance. Last evaluated: 2026-05-14. Review status: criteria provided, single submitter. Criteria: LabCorp Variant Classification Summary - May 2015. Collection method: clinical testing. Allele origin: germline.
Comment: Variant summary: LRAT c.197G>A (p.Gly66Glu) results in a non-conservative amino acid change in the encoded protein sequence. Algorithms developed to predict the effect of missense changes on protein structure and function are either unavailable or do not agree on the potential impact of this missense change. The variant was absent in 251368 control chromosomes. The available data on variant occurrences in the general population are insufficient to allow any conclusion about variant significance. c.197G>A has been observed in at least one compound heterozygous individual affected with fundus albipunctatus (example: Tan_2023). This report does not provide unequivocal conclusions about association of the variant with Leber congenital amaurosis. To our knowledge, no experimental evidence demonstrating an impact on protein function has been reported. The following publications has been ascertained in the context of this evaluation (PMID: 38002575). ClinVar contains an entry for this variant (Variation ID: 840691). Based on the evidence outlined above, the variant was classified as uncertain significance.

Labcorp Genetics (formerly Invitae), Labcorp
Classification: Uncertain significance. Last evaluated: 2023-08-10. Review status: criteria provided, single submitter. Criteria: Invitae Variant Classification Sherloc (09022015). Collection method: clinical testing. Allele origin: germline.
Comment: In summary, the available evidence is currently insufficient to determine the role of this variant in disease. Therefore, it has been classified as a Variant of Uncertain Significance. An algorithm developed to predict the effect of missense changes on protein structure and function (PolyPhen-2) suggests that this variant is likely to be disruptive. ClinVar contains an entry for this variant (Variation ID: 840691). This variant has not been reported in the literature in individuals affected with LRAT-related conditions. This variant is not present in population databases (gnomAD no frequency). This sequence change replaces glycine, which is neutral and non-polar, with glutamic acid, which is acidic and polar, at codon 66 of the LRAT protein (p.Gly66Glu).

Literature cited by the submitters: PubMed 42065837 (cited by Women's Health and Genetics/Laboratory Corporation of America, LabCorp); PubMed 38002575 (cited by Women's Health and Genetics/Laboratory Corporation of America, LabCorp).

NM_004744.5(LRAT):c.197G>A (p.Gly66Glu)

Gene: LRAT (lecithin retinol acyltransferase; plus strand). Cytogenetic location: 4q32.1.
Variant type: single nucleotide variant.
Coding change: c.197G>A on transcript NM_004744.5 (MANE Select); coding-DNA position 197, G replaced by A.
Protein change: p.Gly66Glu; replaces glycine 66 with glutamic acid.
Molecular consequence: missense variant.
Genome position (GRCh38, 1-based): chr4:154,744,523, G>A. VCF-style: chr4-154744523-G-A. GRCh37 (hg19) VCF-style: chr4-155665675-G-A.
Other names: c.197G>A, p.Gly66Glu (NM_001301645.2); short protein forms G66E.
Identifiers: ClinVar variation 840691 (VCV000840691.10), dbSNP rs1560870726, ClinGen allele CA358630182.